The following is an entry in ClinVar:

ClinVar aggregate classification (germline): Uncertain significance. Review status: criteria provided, multiple submitters, no conflicts (2 of 4 stars). 2 submissions from 2 submitters: Uncertain significance (2). Last evaluated 2024-02-17.

Conditions:
Cardiovascular phenotype. Identifiers: MedGen CN230736.
Long QT syndrome (LQTS). Identifiers: MedGen C0023976, MeSH D008133, MONDO:0002442. Disease mechanism: loss of function. Inheritance: Various modes of inheritance.

Allele frequency attached by ClinVar (database versions not stated): gnomAD exomes below 0.00001; TOPMed below 0.00001.
gnomAD v4.1: 1 of 1,614,164 alleles (0.000062%); highest among the groups gnomAD compares: East Asian, 0.0022%; no homozygotes.

Submissions (2):

Labcorp Genetics (formerly Invitae), Labcorp
Classification: Uncertain significance for Long QT syndrome. Last evaluated: 2024-02-17. Review status: criteria provided, single submitter. Criteria: Invitae Variant Classification Sherloc (09022015). Collection method: clinical testing. Allele origin: germline.
Comment: This sequence change replaces glutamic acid, which is acidic and polar, with alanine, which is neutral and non-polar, at codon 356 of the KCNJ5 protein (p.Glu356Ala). This variant is not present in population databases (gnomAD no frequency). This variant has not been reported in the literature in individuals affected with KCNJ5-related conditions. ClinVar contains an entry for this variant (Variation ID: 2625902). Advanced modeling of protein sequence and biophysical properties (such as structural, functional, and spatial information, amino acid conservation, physicochemical variation, residue mobility, and thermodynamic stability) performed at Invitae indicates that this missense variant is not expected to disrupt KCNJ5 protein function with a negative predictive value of 80%. In summary, the available evidence is currently insufficient to determine the role of this variant in disease. Therefore, it has been classified as a Variant of Uncertain Significance.

Ambry Genetics
Classification: Uncertain significance for Cardiovascular phenotype. Last evaluated: 2023-08-14. Review status: criteria provided, single submitter. Criteria: Ambry Variant Classification Scheme 2023. Collection method: clinical testing. Allele origin: germline.
Comment: The p.E356A variant (also known as c.1067A>C), located in coding exon 2 of the KCNJ5 gene, results from an A to C substitution at nucleotide position 1067. The glutamic acid at codon 356 is replaced by alanine, an amino acid with dissimilar properties. This amino acid position is highly conserved in available vertebrate species. In addition, the in silico prediction for this alteration is inconclusive. Since supporting evidence is limited at this time, the clinical significance of this alteration remains unclear.

NM_000890.5(KCNJ5):c.1067A>C (p.Glu356Ala)

Gene: KCNJ5 (potassium inwardly rectifying channel subfamily J member 5; plus strand). Cytogenetic location: 11q24.3.
Variant type: single nucleotide variant.
Coding change: c.1067A>C on transcript NM_000890.5 (MANE Select); coding-DNA position 1067, A replaced by C.
Protein change: p.Glu356Ala; replaces glutamic acid 356 with alanine.
Molecular consequence: missense variant.
Genome position (GRCh38, 1-based): chr11:128,916,538, A>C. VCF-style: chr11-128916538-A-C. GRCh37 (hg19) VCF-style: chr11-128786433-A-C.
Other names: c.1067A>C, p.Glu356Ala (NM_001354169.2); short protein forms E356A.
Identifiers: ClinVar variation 2625902 (VCV002625902.4), dbSNP rs1304817518, ClinGen allele CA383235845.
Genomic context (GRCh38, chr11:128,916,538, plus strand): 5'-TCCTCACCTTGGAAAAGGGCTTCTATGAGGTGGACTACAACACCTTCCATGATACCTATG[A>C]GACCAACACACCCAGCTGCTGTGCCAAGGAGCTGGCAGAAATGAAGAGGGAAGGCCGGCT-3'
Protein context (NP_000881.3, residues 346-366): VDYNTFHDTY[Glu356Ala]TNTPSCCAKE